The following is an entry in ClinVar:

ClinVar aggregate classification (germline): Uncertain significance. Review status: criteria provided, multiple submitters, no conflicts (2 of 4 stars). 3 submissions from 3 submitters: Uncertain significance (3). Last evaluated 2024-10-16.

Conditions:
Retinal dystrophy. Also called: Inherited retinal dystrophy. Identifiers: Orphanet 71862, MedGen C0854723, MeSH D058499, MONDO:0019118, HP:0000556.

Allele frequency attached by ClinVar (database versions not stated): TOPMed 0.00001; gnomAD 0.00003 and 0.00004; ExAC 0.00005.
gnomAD v4.1: 57 of 1,613,882 alleles (0.0035%); highest among the groups gnomAD compares: Non-Finnish European, 0.0027%; 1 homozygote.

Submissions (3):

Blueprint Genetics
Classification: Uncertain significance. Last evaluated: 2024-10-16. Review status: criteria provided, single submitter. Criteria: ACMG Guidelines, 2015. Collection method: clinical testing. Allele origin: germline.

Dept Of Ophthalmology, Nagoya University
Classification: Uncertain significance for Retinal dystrophy. Last evaluated: 2023-10-01. Review status: criteria provided, single submitter. Criteria: Submitter's publication. Collection method: research. Allele origin: germline. Affected: yes.

Labcorp Genetics (formerly Invitae), Labcorp
Classification: Uncertain significance. Last evaluated: 2022-07-15. Review status: criteria provided, single submitter. Criteria: Invitae Variant Classification Sherloc (09022015). Collection method: clinical testing. Allele origin: germline.
Comment: This sequence change replaces arginine, which is basic and polar, with histidine, which is basic and polar, at codon 537 of the AGBL5 protein (p.Arg537His). This variant is present in population databases (rs746607000, gnomAD 0.008%). This variant has not been reported in the literature in individuals affected with AGBL5-related conditions. ClinVar contains an entry for this variant (Variation ID: 960845). Algorithms developed to predict the effect of missense changes on protein structure and function are either unavailable or do not agree on the potential impact of this missense change (SIFT: "Tolerated"; PolyPhen-2: "Probably Damaging"; Align-GVGD: "Class C0"). In summary, the available evidence is currently insufficient to determine the role of this variant in disease. Therefore, it has been classified as a Variant of Uncertain Significance.

NM_021831.6(AGBL5):c.1610G>A (p.Arg537His)

Gene: AGBL5 (AGBL carboxypeptidase 5; plus strand). Cytogenetic location: 2p23.3.
Variant type: single nucleotide variant.
Coding change: c.1610G>A on transcript NM_021831.6 (MANE Select); coding-DNA position 1610, G replaced by A.
Protein change: p.Arg537His; replaces arginine 537 with histidine.
Molecular consequence: missense variant. On other transcripts: non-coding transcript variant (2).
Genome position (GRCh38, 1-based): chr2:27,057,377, G>A. VCF-style: chr2-27057377-G-A. GRCh37 (hg19) VCF-style: chr2-27280245-G-A.
Other names: c.1610G>A, p.Arg537His (NM_001035507.3); short protein forms R537H.
Identifiers: ClinVar variation 960845 (VCV000960845.8), dbSNP rs746607000, ClinGen allele CA1567916.
Genomic context (GRCh38, chr2:27,057,377, plus strand): 5'-GCAACTACAACACTGGACGCTCAGTAAACAGCATCCCTGCTGCCTGCCATGACAATGGGC[G>A]TGCCAGCCCCCCTCCCCCGCCGGCTTTCCCCTCCAGATACACTGTGGAACTATTTGAGCA-3'
Protein context (NP_068603.4, residues 527-547): SIPAACHDNG[Arg537His]ASPPPPPAFP